The following is an entry in ClinVar:

NM_001035.3(RYR2):c.463+68C>T

Gene: RYR2 (ryanodine receptor 2; plus strand). Cytogenetic location: 1q43.
Variant type: single nucleotide variant.
Coding change: c.463+68C>T on transcript NM_001035.3 (MANE Select); 68 bases into the intron after coding-DNA position 463, C replaced by T.
Molecular consequence: intron variant.
Genome position (GRCh38, 1-based): chr1:237,374,863, C>T. VCF-style: chr1-237374863-C-T. GRCh37 (hg19) VCF-style: chr1-237538163-C-T.
Identifiers: ClinVar variation 675864 (VCV000675864.1), dbSNP rs145039111, ClinGen allele CA39773705.

ClinVar aggregate classification (germline): Likely benign (1 of 4 stars; one submission).

Allele frequency attached by ClinVar (database versions not stated): 1000 Genomes Project 30x 0.00375; 1000 Genomes Project 0.00379; gnomAD 0.00427 and 0.00465; TOPMed 0.00492.
gnomAD v4.1: 1,106 of 1,171,304 alleles (0.094%); highest among the groups gnomAD compares: African/African-American, 1.5%; 9 homozygotes.

Submission:

GeneDx
Classification: Likely benign. Last evaluated: 2018-06-14. Review status: criteria provided, single submitter. Criteria: GeneDx Variant Classification (06012015). Collection method: clinical testing. Allele origin: germline. Affected: yes.
Comment: This variant is considered likely benign or benign based on one or more of the following criteria: it is a conservative change, it occurs at a poorly conserved position in the protein, it is predicted to be benign by multiple in silico algorithms, and/or has population frequency not consistent with disease.